The following is an entry in ClinVar:

NM_001308093.3(GATA4):c.191G>A (p.Gly64Glu)

Gene: GATA4 (GATA binding protein 4). Cytogenetic location: 8p23.1.
Variant type: single nucleotide variant.
Coding change: c.191G>A on transcript NM_001308093.3 (MANE Select); coding-DNA position 191, G replaced by A.
Protein change: p.Gly64Glu; replaces glycine 64 with glutamic acid.
Molecular consequence: missense variant. On other transcripts: intron variant (3).
Genome position (GRCh38, 1-based): chr8:11,708,503, G>A. VCF-style: chr8-11708503-G-A. GRCh37 (hg19) VCF-style: chr8-11566012-G-A.
Other names: c.191G>A, p.Gly64Glu (NM_002052.5); c.-6+7725G>A (NM_001308094.2); c.-3+489G>A (NM_001374274.1); c.-3+4199G>A (NM_001374273.1); short protein forms G64E.
Identifiers: ClinVar variation 2967408 (VCV002967408.3), dbSNP rs1249347695, ClinGen allele CA370309119.
Genomic context (GRCh38, chr8:11,708,503, plus strand): 5'-TGCCCTCCTCCGTGCTGGGCCTGTCCTACCTCCAGGGCGGAGGCGCGGGCTCTGCGTCCG[G>A]AGGCGCCTCGGGCGGCAGCTCCGGTGGGGCCGCGTCTGGTGCGGGGCCCGGGACCCAGCA-3'
Protein context (NP_001295022.1, residues 54-74): LQGGGAGSAS[Gly64Glu]GASGGSSGGA

ClinVar aggregate classification (germline): Likely pathogenic (1 of 4 stars; one submission).

Conditions:
Atrioventricular septal defect 4 (AVSD4). Identifiers: MedGen C3280781, MONDO:0013747, OMIM 614430.

Allele frequency attached by ClinVar (database versions not stated): gnomAD exomes below 0.00001.
gnomAD v4.1: 1 of 1,480,058 alleles (0.000068%); highest among the groups gnomAD compares: East Asian, 0.0028%; no homozygotes.

Submission:

Labcorp Genetics (formerly Invitae), Labcorp
Classification: Likely pathogenic for Atrioventricular septal defect 4. Last evaluated: 2025-10-23. Review status: criteria provided, single submitter. Criteria: Invitae Variant Classification Sherloc (09022015). Collection method: clinical testing. Allele origin: germline.
Comment: This sequence change replaces glycine, which is neutral and non-polar, with glutamic acid, which is acidic and polar, at codon 64 of the GATA4 protein (p.Gly64Glu). This variant is not present in population databases (gnomAD no frequency). This missense change has been observed in individual(s) with congenital heart defects (PMID: 20931527, 28161810, 36071769). In at least one individual the variant was observed to be de novo. ClinVar contains an entry for this variant (Variation ID: 2967408). Invitae Evidence Modeling of protein sequence and biophysical properties (such as structural, functional, and spatial information, amino acid conservation, physicochemical variation, residue mobility, and thermodynamic stability) has been performed for this missense variant. However, the output from this modeling did not meet the statistical confidence thresholds required to predict the impact of this variant on GATA4 protein function. Experimental studies have shown that this missense change affects GATA4 function (PMID: 20931527). In summary, the currently available evidence indicates that the variant is pathogenic, but additional data are needed to prove that conclusively. Therefore, this variant has been classified as Likely Pathogenic.

Literature cited by the submitters: PubMed 20931527; PubMed 28161810; PubMed 36071769.